The following is an entry in ClinVar:

NR_033294.2(SNORD118):n.42_43delinsAA

Genes: TMEM107 (transmembrane protein 107; minus strand), SNORD118 (small nucleolar RNA, C/D box 118; minus strand). Cytogenetic location: 17p13.1.
Variant type: Indel.
Molecular consequence: non-coding transcript variant (on NR_033294.2). On other transcripts: 3 prime UTR variant (5).
Genome position: GRCh38 VCF-style: chr17-8173546-CC-TT. GRCh37 (hg19) VCF-style: chr17-8076864-CC-TT.
Other names: c.*656_*657delinsAA (NM_001351278.2, NM_001351279.2, NM_001351280.2 and 2 more transcripts).
Identifiers: ClinVar variation 1917465 (VCV001917465.5), dbSNP rs2507710819, ClinGen allele CA2580094937.
Genomic context (GRCh38, chr17:8,173,546, plus strand): 5'-CTGATTACGCAGAGACGTTAATCACGTTTCATGCATCTCCAATCATCATGTTCTAATCTG[CC>TT]CTCCGGAGGAGGAACAGGTAAGGATTATCCCACCTGACGATACAGACAAACAGCCGACAT-3'

ClinVar aggregate classification (germline): Uncertain significance (1 of 4 stars; one submission).

Submission:

Labcorp Genetics (formerly Invitae), Labcorp
Classification: Uncertain significance. Last evaluated: 2022-04-10. Review status: criteria provided, single submitter. Criteria: Invitae Variant Classification Sherloc (09022015). Collection method: clinical testing. Allele origin: germline.
Comment: This variant has not been reported in the literature in individuals affected with SNORD118-related conditions. In summary, the available evidence is currently insufficient to determine the role of this variant in disease. Therefore, it has been classified as a Variant of Uncertain Significance. Experimental studies and prediction algorithms are not available or were not evaluated, and the functional significance of this variant is currently unknown. Information on the frequency of this variant in the gnomAD database is not available, as this variant may be reported differently in the database. This variant occurs in the SNORD118 gene, which encodes an RNA molecule that does not result in a protein product.